The following is an entry in ClinVar:

ClinVar aggregate classification (germline): Uncertain significance (1 of 4 stars; one submission).

gnomAD v4.1: 2 of 1,614,222 alleles (0.00012%); highest among the groups gnomAD compares: East Asian, 0.0045%; no homozygotes.

Submission:

Labcorp Genetics (formerly Invitae), Labcorp
Classification: Uncertain significance. Last evaluated: 2024-08-18. Review status: criteria provided, single submitter. Criteria: Invitae Variant Classification Sherloc (09022015). Collection method: clinical testing. Allele origin: germline.
Comment: This sequence change replaces proline, which is neutral and non-polar, with leucine, which is neutral and non-polar, at codon 555 of the ARID1B protein (p.Pro555Leu). This variant is not present in population databases (gnomAD no frequency). This variant has not been reported in the literature in individuals affected with ARID1B-related conditions. This missense change has been observed in at least one individual who was not affected with ARID1B-related conditions (Internal data). Invitae Evidence Modeling of protein sequence and biophysical properties (such as structural, functional, and spatial information, amino acid conservation, physicochemical variation, residue mobility, and thermodynamic stability) has been performed for this missense variant. However, the output from this modeling did not meet the statistical confidence thresholds required to predict the impact of this variant on ARID1B protein function. In summary, the available evidence is currently insufficient to determine the role of this variant in disease. Therefore, it has been classified as a Variant of Uncertain Significance.

NM_001374828.1(ARID1B):c.1913C>T (p.Pro638Leu)

Gene: ARID1B (AT-rich interaction domain 1B; plus strand). Cytogenetic location: 6q25.3.
Variant type: single nucleotide variant.
Coding change: c.1913C>T on transcript NM_001374828.1 (MANE Select); coding-DNA position 1913, C replaced by T.
Protein change: p.Pro638Leu; replaces proline 638 with leucine.
Molecular consequence: missense variant.
Genome position (GRCh38, 1-based): chr6:156,829,348, C>T. VCF-style: chr6-156829348-C-T. GRCh37 (hg19) VCF-style: chr6-157150482-C-T.
Other names: c.1913C>T, p.Pro638Leu (NM_001371656.1, NM_001374820.1, NM_017519.3); short protein forms P638L.
Identifiers: ClinVar variation 3681914 (VCV003681914.2).